The following is an entry in ClinVar:

ClinVar aggregate classification (germline): Uncertain significance. Review status: criteria provided, multiple submitters, no conflicts (2 of 4 stars). 2 submissions from 2 submitters: Uncertain significance (2). Last evaluated 2024-01-16.

Conditions:
ESRP2-related disorder. Also called: ESRP2-related condition.

Allele frequency attached by ClinVar (database versions not stated): gnomAD exomes 0.00001; ExAC 0.00003.
gnomAD v4.1: 13 of 1,613,612 alleles (0.00081%); highest among the groups gnomAD compares: South Asian, 0.013%; no homozygotes.

Submissions (2):

Ambry Genetics
Classification: Uncertain significance. Last evaluated: 2024-01-16. Review status: criteria provided, single submitter. Criteria: Ambry Variant Classification Scheme 2023. Collection method: clinical testing. Allele origin: germline.

PreventionGenetics, part of Exact Sciences
Classification: Uncertain significance for ESRP2-related condition. Last evaluated: 2023-04-13. Review status: criteria provided, single submitter. Criteria: ACMG Guidelines, 2015. Collection method: clinical testing. Allele origin: germline.
Comment: The ESRP2 c.2071C>T variant is predicted to result in the amino acid substitution p.Leu691Phe. To our knowledge, this variant has not been reported in the literature. This variant is reported in 0.020% of alleles in individuals of South Asian descent in gnomAD. At this time, the clinical significance of this variant is uncertain due to the absence of conclusive functional and genetic evidence.

NM_024939.3(ESRP2):c.2041C>T (p.Leu681Phe)

Gene: ESRP2 (epithelial splicing regulatory protein 2; minus strand). Cytogenetic location: 16q22.1.
Variant type: single nucleotide variant.
Coding change: c.2041C>T on transcript NM_024939.3 (MANE Select); coding-DNA position 2041, C replaced by T.
Protein change: p.Leu681Phe; replaces leucine 681 with phenylalanine.
Molecular consequence: missense variant. On other transcripts: intron variant (1).
Genome position (GRCh38, 1-based): chr16:68,230,412, G>A on the plus strand (C>T on the coding strand, the complement: ESRP2 is on the minus strand). VCF-style: chr16-68230412-G-A. GRCh37 (hg19) VCF-style: chr16-68264315-G-A.
Other names: c.2071C>T, p.Leu691Phe (NM_001365264.1); c.1899-97C>T (NM_001365265.1); c.2041C>T (NM_024939.2); short protein forms L681F, L691F.
Identifiers: ClinVar variation 2635059 (VCV002635059.2), dbSNP rs761278650, ClinGen allele CA8125074.
Genomic context (GRCh38, chr16:68,230,412, plus strand): 5'-GCCAGACCCGCCAGGCCCTCCGGCCACACAATCTCACCTGGTAGGCCTGGAAGACGCTGA[G>A]CAGATCCTTCATACCAGCCGTGTATGGGACACCCTGCATGCGGACCAAGGCTCCTGACTG-3'
Protein context (NP_079215.2, residues 671-691): VPYTAGMKDL[Leu681Phe]SVFQAYQLPA